The following is an entry in ClinVar:

ClinVar aggregate classification (germline): Likely benign (1 of 4 stars; one submission).

Submission:

CeGaT Center for Human Genetics Tuebingen
Classification: Likely benign. Last evaluated: 2025-05-01. Review status: criteria provided, single submitter. Criteria: CeGaT Center For Human Genetics Tuebingen Variant Classification Criteria Version 2. Collection method: clinical testing. Allele origin: germline. Affected: yes. Observed: 1 variant allele.
Comment: HPR: PM2:Supporting, BP4, BP7

NM_020995.4(HPR):c.894C>T (p.Gly298=)

Gene: HPR (haptoglobin-related protein; plus strand). Cytogenetic location: 16q22.2.
Variant type: single nucleotide variant.
Coding change: c.894C>T on transcript NM_020995.4 (MANE Select); coding-DNA position 894, C replaced by T.
Protein change: p.Gly298=; no amino-acid change (glycine 298 retained).
Molecular consequence: synonymous variant.
Genome position (GRCh38, 1-based): chr16:72,076,928, C>T. VCF-style: chr16-72076928-C-T. GRCh37 (hg19) VCF-style: chr16-72110827-C-T.
Other names: c.534C>T, p.Gly178= (NM_001384360.1).
Identifiers: ClinVar variation 3905817 (VCV003905817.10).